The following is an entry in ClinVar:

ClinVar aggregate classification (germline): Conflicting classifications of pathogenicity. Review status: criteria provided, conflicting classifications (1 of 4 stars). 8 submissions from 8 submitters: Uncertain significance (6); Likely benign (1). 1 of the submissions does not count toward it. Last evaluated 2026-05-03.

Conditions:
Ehlers-Danlos syndrome, type 4 (EDSVASC). Also called: Ehlers-Danlos syndrome vascular type; Ehlers Danlos syndrome, ecchymotic type; Ehlers Danlos syndrome, arterial type; Ehlers Danlos syndrome, Sack-Barabas type; Ehlers-Danlos Syndrome Type IV. Identifiers: Orphanet 286, MedGen C0268338, MONDO:0017314, OMIM 130050.
COL3A1-related disorder. Also called: COL3A1-related condition.
Familial thoracic aortic aneurysm and aortic dissection (TAAD). Also called: Thoracic aortic aneurysms and dissections. Identifiers: Orphanet 91387, MedGen C4707243, MONDO:0019625.

Allele frequency attached by ClinVar (database versions not stated): ExAC 0.00004; gnomAD exomes 0.00004; ESP Exome Variant Server 0.00008; gnomAD 0.00010; TOPMed 0.00015.
gnomAD v4.1: 40 of 1,613,820 alleles (0.0025%); highest among the groups gnomAD compares: African/African-American, 0.032%; no homozygotes.

Submissions (8):

Ambry Genetics
Classification: Likely benign for Familial thoracic aortic aneurysm and aortic dissection. Last evaluated: 2026-05-03. Review status: criteria provided, single submitter. Criteria: Ambry Variant Classification Scheme 2023. Collection method: clinical testing. Allele origin: germline.

Labcorp Genetics (formerly Invitae), Labcorp
Classification: Uncertain significance for Ehlers-Danlos syndrome, type 4. Last evaluated: 2025-12-01. Review status: criteria provided, single submitter. Criteria: Invitae Variant Classification Sherloc (09022015). Collection method: clinical testing. Allele origin: germline.
Comment: This sequence change replaces arginine, which is basic and polar, with histidine, which is basic and polar, at codon 1434 of the COL3A1 protein (p.Arg1434His). This variant is present in population databases (rs138533702, gnomAD 0.03%). This variant has not been reported in the literature in individuals affected with COL3A1-related conditions. ClinVar contains an entry for this variant (Variation ID: 572244). Invitae Evidence Modeling of protein sequence and biophysical properties (such as structural, functional, and spatial information, amino acid conservation, physicochemical variation, residue mobility, and thermodynamic stability) indicates that this missense variant is not expected to disrupt COL3A1 protein function with a negative predictive value of 95%. In summary, the available evidence is currently insufficient to determine the role of this variant in disease. Therefore, it has been classified as a Variant of Uncertain Significance.

Women's Health and Genetics/Laboratory Corporation of America, LabCorp
Classification: Uncertain significance. Last evaluated: 2025-10-29. Review status: criteria provided, single submitter. Criteria: LabCorp Variant Classification Summary - May 2015. Collection method: clinical testing. Allele origin: germline.
Comment: Variant summary: COL3A1 c.4301G>A (p.Arg1434His) results in a non-conservative amino acid change in the encoded protein sequence. Algorithms developed to predict the effect of missense changes on protein structure and function are either unavailable or do not agree on the potential impact of this missense change. The variant allele was found at a frequency of 3.6e-05 in 251330 control chromosomes. The available data on variant occurrences in the general population are insufficient to allow any conclusion about variant significance. To our knowledge, no occurrence of c.4301G>A in individuals affected with COL3A1-related conditions and no experimental evidence demonstrating its impact on protein function have been reported. ClinVar contains an entry for this variant (Variation ID: 572244). Based on the evidence outlined above, the variant was classified as uncertain significance.

GeneDx
Classification: Uncertain significance. Last evaluated: 2025-04-22. Review status: criteria provided, single submitter. Criteria: GeneDx Variant Classification Process June 2021. Collection method: clinical testing. Allele origin: germline. Affected: yes.
Comment: Has not been previously published as pathogenic or benign to our knowledge; In silico analysis indicates that this missense variant does not alter protein structure/function; Not located in the triple helical region, where the majority of pathogenic missense variants occur (HGMD)

All of Us Research Program, National Institutes of Health
Classification: Uncertain significance for Ehlers-Danlos syndrome, type 4. Last evaluated: 2024-06-17. Review status: criteria provided, single submitter. Criteria: ACMG Guidelines, 2015. Collection method: clinical testing. Allele origin: germline. Inheritance: Autosomal dominant inheritance. Observed: 10 variant alleles, 10 heterozygotes.
Comment: This missense variant replaces arginine with histidine at codon 1434 of the COL3A1 protein. Computational prediction suggests that this variant may not impact protein structure and function (internally defined REVEL score threshold <= 0.5, PMID: 27666373). To our knowledge, functional studies have not been reported for this variant. This variant has not been reported in individuals affected with cardiovascular disorders in the literature. This variant has been identified in 12/282722 chromosomes in the general population by the Genome Aggregation Database (gnomAD). The available evidence is insufficient to determine the role of this variant in disease conclusively. Therefore, this variant is classified as a Variant of Uncertain Significance.

This study involves interpretation of variants in research participants for the purpose of population health screening. Participant phenotype was not available at the time of variant classification. Additional details can be found in publication PMID: 35346344, PMCID: PMC8962531

Color Diagnostics, LLC DBA Color Health
Classification: Uncertain significance for Familial thoracic aortic aneurysm and aortic dissection. Last evaluated: 2024-03-06. Review status: criteria provided, single submitter. Criteria: ACMG Guidelines, 2015. Collection method: clinical testing. Allele origin: germline.
Comment: This missense variant replaces arginine with histidine at codon 1434 of the COL3A1 protein. Computational prediction tool indicates that this variant may have a neutral impact on protein structure and function. To our knowledge, functional studies have not been reported for this variant. This variant has not been reported in individuals affected with COL3A1-related disorders in the literature. This variant has been identified in 12/282722 chromosomes in the general population by the Genome Aggregation Database (gnomAD). The available evidence is insufficient to determine the role of this variant in disease conclusively. Therefore, this variant is classified as a Variant of Uncertain Significance.

Centre of Medical Genetics, University Hospital Muenster
Classification: Uncertain significance for Ehlers-Danlos syndrome, type 4. Last evaluated: 2022-03-31. Review status: criteria provided, single submitter. Criteria: ACMG Guidelines, 2015. Collection method: clinical testing. Allele origin: germline. Affected: yes. Observed: 1 variant allele, 1 heterozygote.
Comment: ACMG categories: PM1,PM2,PP3

PreventionGenetics, part of Exact Sciences
Classification: Uncertain significance for COL3A1-related condition. Last evaluated: 2024-07-16. Review status: no assertion criteria provided. Collection method: clinical testing. Allele origin: germline. Not counted in ClinVar's aggregate classification.
Comment: The COL3A1 c.4301G>A variant is predicted to result in the amino acid substitution p.Arg1434His. To our knowledge, this variant has not been reported in the literature. This variant is reported in 0.036% of alleles in individuals of African descent in gnomAD. At this time, the clinical significance of this variant is uncertain due to the absence of conclusive functional and genetic evidence.

NM_000090.4(COL3A1):c.4301G>A (p.Arg1434His)

Gene: COL3A1 (collagen type III alpha 1 chain; plus strand). Cytogenetic location: 2q32.2.
Variant type: single nucleotide variant.
Coding change: c.4301G>A on transcript NM_000090.4 (MANE Select); coding-DNA position 4301, G replaced by A.
Protein change: p.Arg1434His; replaces arginine 1434 with histidine.
Molecular consequence: missense variant.
Genome position (GRCh38, 1-based): chr2:189,011,674, G>A. VCF-style: chr2-189011674-G-A. GRCh37 (hg19) VCF-style: chr2-189876400-G-A.
Other names: short protein forms R1434H.
Identifiers: ClinVar variation 572244 (VCV000572244.23), dbSNP rs138533702, ClinGen allele CA076560.